The following is an entry in ClinVar:

NM_003322.6(TULP1):c.89G>T (p.Arg30Leu)

Gene: TULP1 (TUB like protein 1; minus strand). Cytogenetic location: 6p21.31.
Variant type: single nucleotide variant.
Coding change: c.89G>T on transcript NM_003322.6 (MANE Select); coding-DNA position 89, G replaced by T.
Protein change: p.Arg30Leu; replaces arginine 30 with leucine.
Molecular consequence: missense variant.
Genome position (GRCh38, 1-based): chr6:35,512,649, C>A on the plus strand (G>T on the coding strand, the complement: TULP1 is on the minus strand). VCF-style: chr6-35512649-C-A. GRCh37 (hg19) VCF-style: chr6-35480426-C-A.
Other names: c.89G>T, p.Arg30Leu (NM_001289395.2); short protein forms R30L.
Identifiers: ClinVar variation 839600 (VCV000839600.6), dbSNP rs1398566369, ClinGen allele CA363785264.

ClinVar aggregate classification (germline): Uncertain significance (1 of 4 stars; one submission).

Allele frequency attached by ClinVar (database versions not stated): TOPMed 0.00001.
gnomAD v4.1: 2 of 1,613,806 alleles (0.00012%); highest among the groups gnomAD compares: Admixed American, 0.0017%; no homozygotes.

Submission:

Labcorp Genetics (formerly Invitae), Labcorp
Classification: Uncertain significance. Last evaluated: 2022-03-03. Review status: criteria provided, single submitter. Criteria: Invitae Variant Classification Sherloc (09022015). Collection method: clinical testing. Allele origin: germline.
Comment: In summary, the available evidence is currently insufficient to determine the role of this variant in disease. Therefore, it has been classified as a Variant of Uncertain Significance. Algorithms developed to predict the effect of missense changes on protein structure and function are either unavailable or do not agree on the potential impact of this missense change (SIFT: "Not Available"; PolyPhen-2: "Benign"; Align-GVGD: "Not Available"). ClinVar contains an entry for this variant (Variation ID: 839600). This variant has not been reported in the literature in individuals affected with TULP1-related conditions. This variant is not present in population databases (gnomAD no frequency). This sequence change replaces arginine, which is basic and polar, with leucine, which is neutral and non-polar, at codon 30 of the TULP1 protein (p.Arg30Leu).